The following is an entry in ClinVar:

ClinVar aggregate classification (germline): Uncertain significance (1 of 4 stars; one submission).

Submission:

Labcorp Genetics (formerly Invitae), Labcorp
Classification: Uncertain significance. Last evaluated: 2022-10-05. Review status: criteria provided, single submitter. Criteria: Invitae Variant Classification Sherloc (09022015). Collection method: clinical testing. Allele origin: germline.
Comment: In summary, the available evidence is currently insufficient to determine the role of this variant in disease. Therefore, it has been classified as a Variant of Uncertain Significance. Algorithms developed to predict the effect of missense changes on protein structure and function (SIFT, PolyPhen-2, Align-GVGD) all suggest that this variant is likely to be tolerated. This variant has not been reported in the literature in individuals affected with SUCO-related conditions. This variant is not present in population databases (gnomAD no frequency). This sequence change replaces serine, which is neutral and polar, with threonine, which is neutral and polar, at codon 491 of the SUCO protein (p.Ser491Thr).

NM_014283.5(SUCO):c.1471T>A (p.Ser491Thr)

Gene: SUCO (SUN domain containing ossification factor; plus strand). Cytogenetic location: 1q24.3.
Variant type: single nucleotide variant.
Coding change: c.1471T>A on transcript NM_014283.5 (MANE Select); coding-DNA position 1471, T replaced by A.
Protein change: p.Ser491Thr; replaces serine 491 with threonine.
Molecular consequence: missense variant. On other transcripts: 5 prime UTR variant (1).
Genome position (GRCh38, 1-based): chr1:172,579,240, T>A. VCF-style: chr1-172579240-T-A. GRCh37 (hg19) VCF-style: chr1-172548380-T-A.
Other names: c.1360T>A, p.Ser454Thr (NM_001282750.2); c.-59T>A (NM_001282751.2); c.1924T>A, p.Ser642Thr (NM_016227.4); short protein forms S454T, S491T, S642T.
Identifiers: ClinVar variation 2034238 (VCV002034238.4), dbSNP rs2527381881, ClinGen allele CA343739815.